The following is an entry in ClinVar:

ClinVar aggregate classification (germline): Likely benign (0 of 4 stars; one submission).

Conditions:
ETV3L-related disorder. Also called: ETV3L-related condition.

Allele frequency attached by ClinVar (database versions not stated): 1000 Genomes Project 0.00120; 1000 Genomes Project 30x 0.00141; gnomAD 0.00241; TOPMed 0.00246; ExAC 0.00275; gnomAD exomes 0.00302; ESP Exome Variant Server 0.00323.

Submission:

PreventionGenetics, part of Exact Sciences
Classification: Likely benign for ETV3L-related condition. Last evaluated: 2022-12-13. Review status: no assertion criteria provided. Collection method: clinical testing. Allele origin: germline.
Comment: This variant is classified as likely benign based on ACMG/AMP sequence variant interpretation guidelines (Richards et al. 2015 PMID: 25741868, with internal and published modifications).

NM_001004341.2(ETV3L):c.933A>G (p.Glu311=)

Gene: ETV3L (ETS variant transcription factor 3 like; minus strand). Cytogenetic location: 1q23.1.
Variant type: single nucleotide variant.
Coding change: c.933A>G on transcript NM_001004341.2 (MANE Select); coding-DNA position 933, A replaced by G.
Protein change: p.Glu311=; no amino-acid change (glutamic acid 311 retained).
Molecular consequence: synonymous variant.
Genome position (GRCh38, 1-based): chr1:157,092,802, T>C on the plus strand (A>G on the coding strand, the complement: ETV3L is on the minus strand). VCF-style: chr1-157092802-T-C. GRCh37 (hg19) VCF-style: chr1-157062594-T-C.
Identifiers: ClinVar variation 3055606 (VCV003055606.2), dbSNP rs149756524, ClinGen allele CA1173007.